The following is an entry in ClinVar:

ClinVar aggregate classification (germline): Uncertain significance (1 of 4 stars; one submission).

Submission:

GeneDx
Classification: Uncertain significance. Last evaluated: 2024-02-13. Review status: criteria provided, single submitter. Criteria: GeneDx Variant Classification Process June 2021. Collection method: clinical testing. Allele origin: germline. Affected: yes.
Comment: Not observed at significant frequency in large population cohorts (gnomAD); In silico analysis supports that this missense variant has a deleterious effect on protein structure/function; Has not been previously published as pathogenic or benign to our knowledge

NM_022893.4(BCL11A):c.2147C>T (p.Thr716Met)

Gene: BCL11A (BCL11 transcription factor A; minus strand). Cytogenetic location: 2p16.1.
Variant type: single nucleotide variant.
Coding change: c.2147C>T on transcript NM_022893.4 (MANE Select); coding-DNA position 2147, C replaced by T.
Protein change: p.Thr716Met; replaces threonine 716 with methionine.
Molecular consequence: missense variant. On other transcripts: intron variant (6).
Genome position (GRCh38, 1-based): chr2:60,460,765, G>A on the plus strand (C>T on the coding strand, the complement: BCL11A is on the minus strand). VCF-style: chr2-60460765-G-A. GRCh37 (hg19) VCF-style: chr2-60687900-G-A.
Other names: c.2045C>T, p.Thr682Met (NM_001363864.1, NM_001365609.1, NM_001405711.1 and 2 more transcripts); c.2147C>T, p.Thr716Met (NM_001405708.1, NM_001405709.1, NM_001405710.1 and 1 more transcripts); c.1991C>T, p.Thr664Met (NM_001405713.1, NM_001405714.1, NM_001405715.1 and 3 more transcripts); c.1889C>T, p.Thr630Met (NM_001405717.1, NM_001405718.1, NM_001405724.1); c.1814C>T, p.Thr605Met (NM_001405720.1, NM_001405721.1); c.1691C>T, p.Thr564Met (NM_001405725.1, NM_001405726.1, NM_001405727.1 and 1 more transcripts); c.1454C>T, p.Thr485Met (NM_001405729.1); c.1610C>T, p.Thr537Met (NM_001405730.1); and 5 more; short protein forms T385M, T485M, T537M, T564M, T605M, T630M, T664M, T682M.
Identifiers: ClinVar variation 3342561 (VCV003342561.1).